The following is an entry in ClinVar:

ClinVar aggregate classification (germline): Uncertain significance (1 of 4 stars; one submission).

gnomAD v4.1: 1 of 1,614,116 alleles (0.000062%); highest among the groups gnomAD compares: Non-Finnish European, 0.000085%; no homozygotes.

Submission:

Labcorp Genetics (formerly Invitae), Labcorp
Classification: Uncertain significance. Last evaluated: 2025-08-11. Review status: criteria provided, single submitter. Criteria: Invitae Variant Classification Sherloc (09022015). Collection method: clinical testing. Allele origin: germline.
Comment: This sequence change replaces serine, which is neutral and polar, with arginine, which is basic and polar, at codon 17 of the PNPT1 protein (p.Ser17Arg). This variant is not present in population databases (gnomAD no frequency). This variant has not been reported in the literature in individuals affected with PNPT1-related conditions. Invitae Evidence Modeling of protein sequence and biophysical properties (such as structural, functional, and spatial information, amino acid conservation, physicochemical variation, residue mobility, and thermodynamic stability) indicates that this missense variant is not expected to disrupt PNPT1 protein function with a negative predictive value of 95%. In summary, the available evidence is currently insufficient to determine the role of this variant in disease. Therefore, it has been classified as a Variant of Uncertain Significance.

NM_033109.5(PNPT1):c.51C>G (p.Ser17Arg)

Genes: PNPT1 (polyribonucleotide nucleotidyltransferase 1; minus strand), LOC129933770 (ATAC-STARR-seq lymphoblastoid active region 15785; plus strand). Cytogenetic location: 2p16.1.
Variant type: single nucleotide variant.
Coding change: c.51C>G on transcript NM_033109.5 (MANE Select); coding-DNA position 51, C replaced by G.
Protein change: p.Ser17Arg; replaces serine 17 with arginine.
Molecular consequence: missense variant.
Genome position (GRCh38, 1-based): chr2:55,693,773, G>C on the plus strand (C>G on the coding strand, the complement: PNPT1 is on the minus strand). VCF-style: chr2-55693773-G-C. GRCh37 (hg19) VCF-style: chr2-55920908-G-C.
Other names: short protein forms S17R.
Identifiers: ClinVar variation 4800243 (VCV004800243.1).